The following is an entry in ClinVar:

NM_006662.3(SRCAP):c.8045C>A (p.Thr2682Asn)

Gene: SRCAP (Snf2 related CREBBP activator protein; plus strand). Cytogenetic location: 16p11.2.
Variant type: single nucleotide variant.
Coding change: c.8045C>A on transcript NM_006662.3 (MANE Select); coding-DNA position 8045, C replaced by A.
Protein change: p.Thr2682Asn; replaces threonine 2682 with asparagine.
Molecular consequence: missense variant.
Genome position (GRCh38, 1-based): chr16:30,738,085, C>A. VCF-style: chr16-30738085-C-A. GRCh37 (hg19) VCF-style: chr16-30749406-C-A.
Other names: short protein forms T2682N.
Identifiers: ClinVar variation 2847932 (VCV002847932.3), dbSNP rs2053178440, ClinGen allele CA395635666.

ClinVar aggregate classification (germline): Uncertain significance (1 of 4 stars; one submission).

Submission:

Labcorp Genetics (formerly Invitae), Labcorp
Classification: Uncertain significance. Last evaluated: 2023-03-20. Review status: criteria provided, single submitter. Criteria: Invitae Variant Classification Sherloc (09022015). Collection method: clinical testing. Allele origin: germline.
Comment: This sequence change replaces threonine, which is neutral and polar, with asparagine, which is neutral and polar, at codon 2682 of the SRCAP protein (p.Thr2682Asn). This variant is not present in population databases (gnomAD no frequency). This variant has not been reported in the literature in individuals affected with SRCAP-related conditions. Advanced modeling of protein sequence and biophysical properties (such as structural, functional, and spatial information, amino acid conservation, physicochemical variation, residue mobility, and thermodynamic stability) performed at Invitae indicates that this missense variant is not expected to disrupt SRCAP protein function. In summary, the available evidence is currently insufficient to determine the role of this variant in disease. Therefore, it has been classified as a Variant of Uncertain Significance.